The following is an entry in ClinVar:

NM_000426.4(LAMA2):c.8721T>C (p.Asp2907=)

Gene: LAMA2 (laminin subunit alpha 2; plus strand). Cytogenetic location: 6q22.33.
Variant type: single nucleotide variant.
Coding change: c.8721T>C on transcript NM_000426.4 (MANE Select); coding-DNA position 8721, T replaced by C.
Protein change: p.Asp2907=; no amino-acid change (aspartic acid 2907 retained).
Molecular consequence: synonymous variant.
Genome position (GRCh38, 1-based): chr6:129,507,506, T>C. VCF-style: chr6-129507506-T-C. GRCh37 (hg19) VCF-style: chr6-129828651-T-C.
Other names: p.Asp2907=; c.8709T>C, p.Asp2903= (NM_001079823.2).
Identifiers: ClinVar variation 705059 (VCV000705059.12), dbSNP rs144136299, ClinGen allele CA3994905.

ClinVar aggregate classification (germline): Likely benign. Review status: criteria provided, multiple submitters, no conflicts (2 of 4 stars). 2 submissions from 2 submitters: Likely benign (2). Last evaluated 2026-02-02.

Conditions:
LAMA2-related muscular dystrophy (LAMA2-RD). Also called: Laminin alpha 2-related dystrophy. Identifiers: MedGen C5679788, MONDO:0100228.

Allele frequency attached by ClinVar (database versions not stated): gnomAD exomes 0.00004; ExAC 0.00006; gnomAD 0.00008 and 0.00009; TOPMed 0.00009; ESP Exome Variant Server 0.00015.
gnomAD v4.1: 63 of 1,614,102 alleles (0.0039%); highest among the groups gnomAD compares: African/African-American, 0.0053%; no homozygotes.

Submissions (2):

Labcorp Genetics (formerly Invitae), Labcorp
Classification: Likely benign for LAMA2-related muscular dystrophy. Last evaluated: 2026-02-02. Review status: criteria provided, single submitter. Criteria: Invitae Variant Classification Sherloc (09022015). Collection method: clinical testing. Allele origin: germline.

Mayo Clinic Laboratories, Mayo Clinic
Classification: Likely benign. Last evaluated: 2025-11-26. Review status: criteria provided, single submitter. Criteria: ACMG Guidelines, 2015. Collection method: clinical testing. Allele origin: germline. Observed: 1 variant allele.
Comment: BP4, BP7